The following is an entry in ClinVar:

ClinVar aggregate classification (germline): Uncertain significance (1 of 4 stars; one submission).

Submission:

Labcorp Genetics (formerly Invitae), Labcorp
Classification: Uncertain significance. Last evaluated: 2022-09-14. Review status: criteria provided, single submitter. Criteria: Invitae Variant Classification Sherloc (09022015). Collection method: clinical testing. Allele origin: germline.
Comment: Algorithms developed to predict the effect of missense changes on protein structure and function output the following: SIFT: "Tolerated"; PolyPhen-2: "Possibly Damaging"; Align-GVGD: "Class C0". The serine amino acid residue is found in multiple mammalian species, which suggests that this missense change does not adversely affect protein function. This variant has not been reported in the literature in individuals affected with TNFRSF11A-related conditions. This variant is not present in population databases (gnomAD no frequency). This sequence change replaces alanine, which is neutral and non-polar, with serine, which is neutral and polar, at codon 484 of the TNFRSF11A protein (p.Ala484Ser). In summary, the available evidence is currently insufficient to determine the role of this variant in disease. Therefore, it has been classified as a Variant of Uncertain Significance.

NM_003839.4(TNFRSF11A):c.1450G>T (p.Ala484Ser)

Gene: TNFRSF11A (TNF receptor superfamily member 11a; plus strand). Cytogenetic location: 18q21.33.
Variant type: single nucleotide variant.
Coding change: c.1450G>T on transcript NM_003839.4 (MANE Select); coding-DNA position 1450, G replaced by T.
Protein change: p.Ala484Ser; replaces alanine 484 with serine.
Molecular consequence: missense variant. On other transcripts: intron variant (3).
Genome position (GRCh38, 1-based): chr18:62,369,367, G>T. VCF-style: chr18-62369367-G-T. GRCh37 (hg19) VCF-style: chr18-60036600-G-T.
Other names: c.1408G>T, p.Ala470Ser (NM_001278268.2); c.783+2607G>T (NM_001270949.2); c.730+7574G>T (NM_001270950.2); c.616+9318G>T (NM_001270951.2); short protein forms A470S, A484S.
Identifiers: ClinVar variation 1719385 (VCV001719385.5), dbSNP rs762560053, ClinGen allele CA402618006.